The following is an entry in ClinVar:

ClinVar aggregate classification (germline): Conflicting classifications of pathogenicity. Review status: criteria provided, conflicting classifications (1 of 4 stars). 3 submissions from 3 submitters: Uncertain significance (2); Likely benign (1). Last evaluated 2024-11-22.

Conditions:
Catecholaminergic polymorphic ventricular tachycardia 1. Also called: RYR2-Related Catecholaminergic Polymorphic Ventricular Tachycardia; VENTRICULAR TACHYCARDIA, STRESS-INDUCED POLYMORPHIC 1; VENTRICULAR TACHYCARDIA, CATECHOLAMINERGIC POLYMORPHIC, 1, WITH OR WITHOUT ATRIAL DYSFUNCTION AND/OR DILATED CARDIOMYOPATHY. Identifiers: Orphanet 3286, MedGen C1631597, MONDO:0011484, OMIM 604772.
Ventricular arrhythmias due to cardiac ryanodine receptor calcium release deficiency syndrome. Also called: Autosomal dominant cardiac arrhythmia (Kuhn). Identifiers: MedGen C5542154, MONDO:0020745, OMIM 115000.
Cardiomyopathy (CMYO). Also called: Cardiomyopathies. Identifiers: Orphanet 167848, MedGen C0878544, MONDO:0004994, HP:0001638. Inheritance: Various modes of inheritance.

Allele frequency attached by ClinVar (database versions not stated): gnomAD 0.00001; TOPMed 0.00001; ExAC 0.00002; gnomAD exomes 0.00002.
gnomAD v4.1: 6 of 1,598,642 alleles (0.00038%); highest among the groups gnomAD compares: East Asian, 0.013%; no homozygotes.

Submissions (3):

Blueprint Genetics
Classification: Likely benign. Last evaluated: 2024-11-22. Review status: criteria provided, single submitter. Criteria: ACMG Guidelines, 2015. Collection method: clinical testing. Allele origin: germline.

Color Diagnostics, LLC DBA Color Health
Classification: Uncertain significance for Cardiomyopathy. Last evaluated: 2024-03-06. Review status: criteria provided, single submitter. Criteria: ACMG Guidelines, 2015. Collection method: clinical testing. Allele origin: germline.
Comment: This variant is located in the RYR2 protein. Computational prediction suggests that this variant may have deleterious impact on protein structure and function (internally defined REVEL score threshold >= 0.7, PMID: 27666373). To our knowledge, functional studies have not been reported for this variant. This variant has not been reported in individuals affected with cardiovascular disorders in the literature. This variant has been identified in 6/256740 chromosomes in the general population by the Genome Aggregation Database (gnomAD). The available evidence is insufficient to determine the role of this variant in disease conclusively. Therefore, this variant is classified as a Variant of Uncertain Significance.

Department of Pathology and Laboratory Medicine, Sinai Health System
Classification: Uncertain significance for Ventricular arrhythmias due to cardiac ryanodine receptor calcium release deficiency syndrome; Catecholaminergic polymorphic ventricular tachycardia 1. Last evaluated: 2021-08-10. Review status: criteria provided, single submitter. Criteria: ACMG Guidelines, 2015. Collection method: research. Allele origin: germline.

NM_001035.3(RYR2):c.112G>T (p.Ala38Ser)

Gene: RYR2 (ryanodine receptor 2; plus strand). Cytogenetic location: 1q43.
Variant type: single nucleotide variant.
Coding change: c.112G>T on transcript NM_001035.3 (MANE Select); coding-DNA position 112, G replaced by T.
Protein change: p.Ala38Ser; replaces alanine 38 with serine.
Molecular consequence: missense variant.
Genome position (GRCh38, 1-based): chr1:237,270,560, G>T. VCF-style: chr1-237270560-G-T. GRCh37 (hg19) VCF-style: chr1-237433860-G-T.
Other names: short protein forms A38S.
Identifiers: ClinVar variation 925199 (VCV000925199.7), dbSNP rs747977592, ClinGen allele CA084893.